The following is an entry in ClinVar:

ClinVar aggregate classification (germline): Uncertain significance (1 of 4 stars; one submission).

Conditions:
Dystonia 30. Identifiers: MedGen C5543312, MONDO:0025691, OMIM 619291.

gnomAD v4.1: 6 of 1,614,160 alleles (0.00037%); highest among the groups gnomAD compares: Admixed American, 0.0067%; no homozygotes.

Submission:

OLLIN Analises Genomicas, OLLIN
Classification: Uncertain significance for Dystonia 30. Last evaluated: 2026-08-06. Review status: criteria provided, single submitter. Criteria: ACMG Guidelines 2015 PMID 25741868. Collection method: clinical testing. Allele origin: germline.
Comment: This missense variant, located in exon 19 (of 24), has been observed in gnomAD with an allele frequency of 0.00037%, but has not been reported in ClinVar or identified in the literature. In silico analysis predicts that this variant has a tolerated effect. According to the currently available evidence, this variant has been classified as uncertain significance (BP4_M).

NM_022575.4(VPS16):c.1821C>G (p.Phe607Leu)

Genes: VPS16 (VPS16 core subunit of CORVET and HOPS complexes; plus strand), PTPRA (protein tyrosine phosphatase receptor type A; plus strand). Cytogenetic location: 20p13.
Variant type: single nucleotide variant.
Coding change: c.1821C>G on transcript NM_022575.4 (MANE Select); coding-DNA position 1821, C replaced by G.
Protein change: p.Phe607Leu; replaces phenylalanine 607 with leucine.
Molecular consequence: missense variant. On other transcripts: 5 prime UTR variant (1).
Genome position (GRCh38, 1-based): chr20:2,864,549, C>G. VCF-style: chr20-2864549-C-G. GRCh37 (hg19) VCF-style: chr20-2845195-C-G.
Other names: c.-482C>G (NM_002836.4); c.1389C>G, p.Phe463Leu (NM_080413.3); short protein forms F463L, F607L.
Identifiers: ClinVar variation 5002955 (VCV005002955.1).